The following is an entry in ClinVar:

ClinVar aggregate classification (germline): Uncertain significance (1 of 4 stars; one submission).

Conditions:
Developmental and epileptic encephalopathy, 12 (DEE12). Identifiers: MedGen C3150988, MONDO:0013389, OMIM 613722.

Submission:

Labcorp Genetics (formerly Invitae), Labcorp
Classification: Uncertain significance for Developmental and epileptic encephalopathy, 12. Last evaluated: 2021-10-07. Review status: criteria provided, single submitter. Criteria: Invitae Variant Classification Sherloc (09022015). Collection method: clinical testing. Allele origin: germline.
Comment: In summary, the available evidence is currently insufficient to determine the role of this variant in disease. Therefore, it has been classified as a Variant of Uncertain Significance. Algorithms developed to predict the effect of sequence changes on RNA splicing suggest that this variant may create or strengthen a splice site. Algorithms developed to predict the effect of missense changes on protein structure and function (SIFT, PolyPhen-2, Align-GVGD) all suggest that this variant is likely to be tolerated. This variant has not been reported in the literature in individuals affected with PLCB1-related conditions. This variant is not present in population databases (ExAC no frequency). This sequence change replaces leucine with valine at codon 832 of the PLCB1 protein (p.Leu832Val). The leucine residue is moderately conserved and there is a small physicochemical difference between leucine and valine.

NM_015192.4(PLCB1):c.2494C>G (p.Leu832Val)

Gene: PLCB1 (phospholipase C beta 1; plus strand). Cytogenetic location: 20p12.3.
Variant type: single nucleotide variant.
Coding change: c.2494C>G on transcript NM_015192.4 (MANE Select); coding-DNA position 2494, C replaced by G.
Protein change: p.Leu832Val; replaces leucine 832 with valine.
Molecular consequence: missense variant.
Genome position (GRCh38, 1-based): chr20:8,741,544, C>G. VCF-style: chr20-8741544-C-G. GRCh37 (hg19) VCF-style: chr20-8722191-C-G.
Other names: c.2494C>G, p.Leu832Val (NM_182734.3); short protein forms L832V.
Identifiers: ClinVar variation 1385088 (VCV001385088.6), dbSNP rs2123521466, ClinGen allele CA408208388.